The following is an entry in ClinVar:

ClinVar aggregate classification (germline): Uncertain significance. Review status: criteria provided, multiple submitters, no conflicts (2 of 4 stars). 4 submissions from 4 submitters: Uncertain significance (4). Last evaluated 2025-03-26.

Conditions:
Classic or attenuated familial adenomatous polyposis. Identifiers: MedGen CN372698, MONDO:0021057.
Hereditary cancer-predisposing syndrome. Also called: Neoplastic Syndromes, Hereditary; Tumor predisposition; Hereditary neoplastic syndrome; Hereditary Cancer Syndrome. Identifiers: Orphanet 140162, MedGen C0027672, MeSH D009386, MONDO:0015356.
Familial adenomatous polyposis 1 (FAP1). Also called: FAMILIAL ADENOMATOUS POLYPOSIS 1, ATTENUATED; POLYPOSIS, ADENOMATOUS INTESTINAL. Identifiers: MedGen C2713442, MONDO:0021056, OMIM 175100. Disease mechanism: loss of function.

gnomAD v4.1: 1 of 1,614,094 alleles (0.000062%); highest among the groups gnomAD compares: Non-Finnish European, 0.000085%; no homozygotes.

Submissions (4):

Ambry Genetics
Classification: Uncertain significance for Hereditary cancer-predisposing syndrome. Last evaluated: 2025-03-26. Review status: criteria provided, single submitter. Criteria: Ambry Variant Classification Scheme 2023. Collection method: clinical testing. Allele origin: germline.
Comment: The p.M730T variant (also known as c.2189T>C), located in coding exon 15 of the APC gene, results from a T to C substitution at nucleotide position 2189. The methionine at codon 730 is replaced by threonine, an amino acid with similar properties. This amino acid position is highly conserved in available vertebrate species. In addition, in silico predictors for this gene do not accurately predict pathogenicity. Since supporting evidence is limited at this time, the clinical significance of this alteration remains unclear.

Labcorp Genetics (formerly Invitae), Labcorp
Classification: Uncertain significance for Familial adenomatous polyposis 1. Last evaluated: 2025-03-05. Review status: criteria provided, single submitter. Criteria: Invitae Variant Classification Sherloc (09022015). Collection method: clinical testing. Allele origin: germline.
Comment: This sequence change replaces methionine, which is neutral and non-polar, with threonine, which is neutral and polar, at codon 730 of the APC protein (p.Met730Thr). This variant is not present in population databases (gnomAD no frequency). This variant has not been reported in the literature in individuals affected with APC-related conditions. ClinVar contains an entry for this variant (Variation ID: 1369875). Invitae Evidence Modeling of protein sequence and biophysical properties (such as structural, functional, and spatial information, amino acid conservation, physicochemical variation, residue mobility, and thermodynamic stability) indicates that this missense variant is not expected to disrupt APC protein function with a negative predictive value of 95%. In summary, the available evidence is currently insufficient to determine the role of this variant in disease. Therefore, it has been classified as a Variant of Uncertain Significance.

All of Us Research Program, National Institutes of Health
Classification: Uncertain significance for Classic or attenuated familial adenomatous polyposis. Last evaluated: 2024-08-06. Review status: criteria provided, single submitter. Criteria: ACMG Guidelines, 2015. Collection method: clinical testing. Allele origin: germline. Inheritance: Autosomal dominant inheritance. Observed: 1 variant allele, 1 heterozygote.
Comment: This study involves interpretation of variants in research participants for the purpose of population health screening. Participant phenotype was not available at the time of variant classification. Additional details can be found in publication PMID: 35346344, PMCID: PMC8962531

Baylor Genetics
Classification: Uncertain significance for Familial adenomatous polyposis 1. Last evaluated: 2023-12-15. Review status: criteria provided, single submitter. Criteria: ACMG Guidelines, 2015. Collection method: clinical testing. Allele origin: unknown.

NM_000038.6(APC):c.2189T>C (p.Met730Thr)

Gene: APC (APC regulator of Wnt signaling pathway; plus strand). Cytogenetic location: 5q22.2.
Variant type: single nucleotide variant.
Coding change: c.2189T>C on transcript NM_000038.6 (MANE Select); coding-DNA position 2189, T replaced by C.
Protein change: p.Met730Thr; replaces methionine 730 with threonine.
Molecular consequence: missense variant.
Genome position (GRCh38, 1-based): chr5:112,837,783, T>C. VCF-style: chr5-112837783-T-C. GRCh37 (hg19) VCF-style: chr5-112173480-T-C.
Other names: c.2189T>C, p.Met730Thr (NM_001127510.3, NM_001354895.2); c.2135T>C, p.Met712Thr (NM_001127511.3); c.2243T>C, p.Met748Thr (NM_001354896.2); c.2219T>C, p.Met740Thr (NM_001354897.2); c.2114T>C, p.Met705Thr (NM_001354898.2); c.2105T>C, p.Met702Thr (NM_001354899.2); c.2066T>C, p.Met689Thr (NM_001354900.2); c.2012T>C, p.Met671Thr (NM_001354901.2); and 5 more; short protein forms M447T, M639T, M689T, M702T, M705T, M629T, M671T, M712T.
Identifiers: ClinVar variation 1369875 (VCV001369875.13), dbSNP rs2149862828, ClinGen allele CA16026127.